The following is an entry in ClinVar:

ClinVar aggregate classification (germline): Uncertain significance (1 of 4 stars; one submission).

Conditions:
Familial thoracic aortic aneurysm and aortic dissection (TAAD). Also called: Thoracic aortic aneurysms and dissections. Identifiers: Orphanet 91387, MedGen C4707243, MONDO:0019625.

Submission:

Ambry Genetics
Classification: Uncertain significance for Familial thoracic aortic aneurysm and aortic dissection. Last evaluated: 2025-05-07. Review status: criteria provided, single submitter. Criteria: Ambry Variant Classification Scheme 2023. Collection method: clinical testing. Allele origin: germline.
Comment: The c.1173G>T variant (also known as p.P391P), located in coding exon 8 of the COL5A1 gene, results from a G to T substitution at nucleotide position 1173. This nucleotide substitution does not change the amino acid at codon 391. This nucleotide position is not well conserved in available vertebrate species. In silico splice site analysis for this alteration is inconclusive. Based on the available evidence, the clinical significance of this variant remains unclear.

NM_000093.5(COL5A1):c.1173G>T (p.Pro391=)

Gene: COL5A1 (collagen type V alpha 1 chain; plus strand). Cytogenetic location: 9q34.3.
Variant type: single nucleotide variant.
Coding change: c.1173G>T on transcript NM_000093.5 (MANE Select); coding-DNA position 1173, G replaced by T.
Protein change: p.Pro391=; no amino-acid change (proline 391 retained).
Molecular consequence: synonymous variant.
Genome position (GRCh38, 1-based): chr9:134,731,504, G>T. VCF-style: chr9-134731504-G-T. GRCh37 (hg19) VCF-style: chr9-137623350-G-T.
Other names: c.1173G>T, p.Pro391= (NM_001278074.1).
Identifiers: ClinVar variation 4005437 (VCV004005437.1).